The following is an entry in ClinVar:

ClinVar aggregate classification (germline): Uncertain significance. Review status: criteria provided, multiple submitters, no conflicts (2 of 4 stars). 3 submissions from 3 submitters: Uncertain significance (3). Last evaluated 2025-03-23.

Conditions:
Hereditary cancer-predisposing syndrome. Also called: Neoplastic Syndromes, Hereditary; Tumor predisposition; Hereditary Cancer Syndrome; Hereditary neoplastic syndrome. Identifiers: Orphanet 140162, MedGen C0027672, MeSH D009386, MONDO:0015356.
Hereditary nonpolyposis colorectal neoplasms. Identifiers: MedGen C0009405, MeSH D003123.

Submissions (3):

Labcorp Genetics (formerly Invitae), Labcorp
Classification: Uncertain significance for Hereditary nonpolyposis colorectal neoplasms. Last evaluated: 2025-03-23. Review status: criteria provided, single submitter. Criteria: Invitae Variant Classification Sherloc (09022015). Collection method: clinical testing. Allele origin: germline.
Comment: This sequence change replaces glutamic acid, which is acidic and polar, with glycine, which is neutral and non-polar, at codon 255 of the MSH6 protein (p.Glu255Gly). Information on the frequency of this variant in the gnomAD database is not available, as this variant may be reported differently in the database. This variant has not been reported in the literature in individuals affected with MSH6-related conditions. ClinVar contains an entry for this variant (Variation ID: 920593). An algorithm developed to predict the effect of missense changes on protein structure and function (PolyPhen-2) suggests that this variant is likely to be disruptive. In summary, the available evidence is currently insufficient to determine the role of this variant in disease. Therefore, it has been classified as a Variant of Uncertain Significance.

Ambry Genetics
Classification: Uncertain significance for Hereditary cancer-predisposing syndrome. Last evaluated: 2024-09-25. Review status: criteria provided, single submitter. Criteria: Ambry Variant Classification Scheme 2023. Collection method: clinical testing. Allele origin: germline.
Comment: The c.764_765delAGinsGA variant (also known as p.E255G), located in coding exon 4 of the MSH6 gene, results from an in-frame deletion of AG and insertion of GA at nucleotide positions 764 to 765. This results in the substitution of the glutamic acid residue for a glycine residue at codon 255, an amino acid with similar properties. This amino acid position is not well conserved in available vertebrate species. In addition, this alteration is predicted to be neutral by in silico analysis (Choi Y et al. PLoS ONE. 2012; 7(10):e46688). Since supporting evidence is limited at this time, the clinical significance of this alteration remains unclear.

Color Diagnostics, LLC DBA Color Health
Classification: Uncertain significance for Hereditary cancer-predisposing syndrome. Last evaluated: 2023-12-04. Review status: criteria provided, single submitter. Criteria: ACMG Guidelines, 2015. Collection method: clinical testing. Allele origin: germline.
Comment: This missense variant replaces glutamic acid with glycine at codon 255 of the MSH6 protein. To our knowledge, functional studies have not been reported for this variant. This variant has not been reported in individuals affected with MSH6-related disorders in the literature. This variant has not been identified in the general population by the Genome Aggregation Database (gnomAD). The available evidence is insufficient to determine the role of this variant in disease conclusively. Therefore, this variant is classified as a Variant of Uncertain Significance.

NM_000179.3(MSH6):c.764_765delinsGA (p.Glu255Gly)

Gene: MSH6 (mutS homolog 6; plus strand). Cytogenetic location: 2p16.3.
Variant type: Indel.
Coding change: c.764_765delinsGA on transcript NM_000179.3 (MANE Select); coding-DNA positions 764 to 765, AG replaced by GA.
Protein change: p.Glu255Gly; replaces glutamic acid 255 with glycine.
Molecular consequence: missense variant. On other transcripts: 5 prime UTR variant (2).
Genome position (GRCh38, 1-based): chr2:47,798,747-47,798,748, AG replaced by GA. VCF-style: chr2-47798747-AG-GA. GRCh37 (hg19) VCF-style: chr2-48025886-AG-GA.
Other names: c.374_375delinsGA, p.Glu125Gly (NM_001281492.2); c.-143_-142delinsGA (NM_001281493.2, NM_001281494.2); c.764_765delAGinsGA (NM_000179.2); short protein forms E255G, E125G.
Identifiers: ClinVar variation 920593 (VCV000920593.13), dbSNP rs1669253958, ClinGen allele CA913187936.
Genomic context (GRCh38, chr2:47,798,747, plus strand): 5'-CACAAGGATCTAGGCGAAGTAGCCGCCAAATAAAAAAACGAAGGGTCATATCAGATTCTG[AG>GA]AGTGACATTGGTGGCTCTGATGTGGAATTTAAGCCAGACACTAAGGAGGAAGGAAGCAGT-3'
Protein context (NP_000170.1, residues 245-265): IKKRRVISDS[Glu255Gly]SDIGGSDVEF